The following is an entry in ClinVar:

NM_001166108.2(PALLD):c.197A>G (p.Gln66Arg)

Gene: PALLD (palladin, cytoskeletal associated protein; plus strand). Cytogenetic location: 4q32.3.
Variant type: single nucleotide variant.
Coding change: c.197A>G on transcript NM_001166108.2 (MANE Select); coding-DNA position 197, A replaced by G.
Protein change: p.Gln66Arg; replaces glutamine 66 with arginine.
Molecular consequence: missense variant.
Genome position (GRCh38, 1-based): chr4:168,511,701, A>G. VCF-style: chr4-168511701-A-G. GRCh37 (hg19) VCF-style: chr4-169432852-A-G.
Other names: c.197A>G, p.Gln66Arg (NM_016081.4); short protein forms Q66R.
Identifiers: ClinVar variation 3413567 (VCV003413567.1).
Genomic context (GRCh38, chr4:168,511,701, plus strand): 5'-CCCGGAGAGCCATAGCCGACTCCGAAACAGAAGATTTTGACTCGGAAAAGGAGATCTCGC[A>G]GATTTTCAGTACTTCTCCTGCAAGCCTCTGTGAACATCCTTCCCATAAGGAGACCAAATT-3'
Protein context (NP_001159580.1, residues 56-76): EDFDSEKEIS[Gln66Arg]IFSTSPASLC

ClinVar aggregate classification (germline): Uncertain significance (1 of 4 stars; one submission).

gnomAD v4.1: 1 of 1,614,212 alleles (0.000062%); highest among the groups gnomAD compares: East Asian, 0.0022%; no homozygotes.

Submission:

Ambry Genetics
Classification: Uncertain significance. Last evaluated: 2024-06-30. Review status: criteria provided, single submitter. Criteria: Ambry Variant Classification Scheme 2023. Collection method: clinical testing. Allele origin: germline.
Comment: The p.Q66R variant (also known as c.197A>G), located in coding exon 1 of the PALLD gene, results from an A to G substitution at nucleotide position 197. The glutamine at codon 66 is replaced by arginine, an amino acid with highly similar properties. This amino acid position is conserved. In addition, this alteration is predicted to be tolerated by in silico analysis. Based on the available evidence, the clinical significance of this variant remains unclear.